The following is an entry in ClinVar:

NM_022168.4(IFIH1):c.2994dup (p.Gln999fs)

Gene: IFIH1 (interferon induced with helicase C domain 1; minus strand). Cytogenetic location: 2q24.2.
Variant type: Duplication.
Coding change: c.2994dup on transcript NM_022168.4 (MANE Select); coding-DNA position 2994, one base duplicated (A; older notation c.2994dupA).
Protein change: p.Gln999fs; shifts the reading frame from glutamine 999.
Molecular consequence: frameshift variant.
Genome position (GRCh38, 1-based): chr2:162,267,284, T duplicated on the plus strand (A on the coding strand, the reverse complement: IFIH1 is on the minus strand); the first of 3 consecutive T bases (chr2:162,267,284-162,267,286); duplicating any one gives the same sequence. VCF-style (leftmost placement, unchanged base first): chr2-162267283-G-GT. GRCh37 (hg19) VCF-style: chr2-163123793-G-GT.
Other names: short protein forms Q999fs.
Identifiers: ClinVar variation 3764790 (VCV003764790.1).
Genomic context (GRCh38, chr2:162,267,283, plus strand): 5'-AGCATTCTGAATAGTCAAGATTGGGAAATGTGATAGGTAATTCTACCCACTTTTTGTATT[G>GT]TTTCTTTGTTGAATTATTTTTGAAAACCACTACAAAATTCCTTATTTTGAGACAAGGCAA-3'

ClinVar aggregate classification (germline): Uncertain significance (1 of 4 stars; one submission).

Conditions:
Immunodeficiency 95 (IMD95). Identifiers: MedGen C5676929, MONDO:0030692, OMIM 619773.

Submission:

MVZ Medizinische Genetik Mainz
Classification: Uncertain significance for Immunodeficiency 95. Last evaluated: 2025-01-21. Review status: criteria provided, single submitter. Criteria: UK Practice Guidelines For Variant Classification V4 01 2020. Collection method: clinical testing. Allele origin: germline. Inheritance: Autosomal dominant inheritance. Observed: 1 variant allele.
Comment: ACMG Criteria: PVS1_MOD,PM2_SUP